The following is an entry in ClinVar:

NM_001048166.1(STIL):c.78dup (p.Pro27fs)

Gene: STIL (STIL centriolar assembly protein; minus strand). Cytogenetic location: 1p33.
Variant type: Duplication.
Coding change: c.78dup on transcript NM_001048166.1 (MANE Select); coding-DNA position 78, one base duplicated (T; older notation c.78dupT).
Protein change: p.Pro27fs; shifts the reading frame from proline 27.
Molecular consequence: frameshift variant.
Genome position (GRCh38, 1-based): chr1:47,304,963, A duplicated on the plus strand (T on the coding strand, the reverse complement: STIL is on the minus strand); the first of 3 consecutive A bases (chr1:47,304,963-47,304,965); duplicating any one gives the same sequence. VCF-style (leftmost placement, unchanged base first): chr1-47304962-G-GA. GRCh37 (hg19) VCF-style: chr1-47770634-G-GA.
Other names: c.78dup, p.Pro27fs (NM_001282936.1, NM_001282937.1, NM_001282938.1 and 3 more transcripts); short protein forms P27fs.
Identifiers: ClinVar variation 4720772 (VCV004720772.1).

ClinVar aggregate classification (germline): Pathogenic (1 of 4 stars; one submission).

Submission:

Labcorp Genetics (formerly Invitae), Labcorp
Classification: Pathogenic. Last evaluated: 2025-11-05. Review status: criteria provided, single submitter. Criteria: Invitae Variant Classification Sherloc (09022015). Collection method: clinical testing. Allele origin: germline.
Comment: This sequence change creates a premature translational stop signal (p.Pro27Serfs*33) in the STIL gene. It is expected to result in an absent or disrupted protein product. Loss-of-function variants in STIL are known to be pathogenic (PMID: 24986681, 33132204). This variant is not present in population databases (gnomAD no frequency). This variant has not been reported in the literature in individuals affected with STIL-related conditions. For these reasons, this variant has been classified as Pathogenic.

Literature cited by the submitters: PubMed 24986681; PubMed 33132204.